The following is an entry in ClinVar:

NM_000548.5(TSC2):c.1125G>C (p.Leu375Phe)

Gene: TSC2 (TSC complex subunit 2; plus strand). Cytogenetic location: 16p13.3.
Variant type: single nucleotide variant.
Coding change: c.1125G>C on transcript NM_000548.5 (MANE Select); coding-DNA position 1125, G replaced by C.
Protein change: p.Leu375Phe; replaces leucine 375 with phenylalanine.
Molecular consequence: missense variant. On other transcripts: 5 prime UTR variant (10), non-coding transcript variant (5).
Genome position (GRCh38, 1-based): chr16:2,061,876, G>C. VCF-style: chr16-2061876-G-C. GRCh37 (hg19) VCF-style: chr16-2111877-G-C.
Other names: c.1014G>C, p.Leu338Phe (NM_001318827.2, NM_001406670.1, NM_001406678.1); c.978G>C, p.Leu326Phe (NM_001318829.2, NM_001406679.1, NM_001406675.1 and 1 more transcripts); c.525G>C, p.Leu175Phe (NM_001318831.2, NM_001406680.1, NM_001406682.1 and 6 more transcripts); c.1158G>C, p.Leu386Phe (NM_001318832.2); c.1125G>C, p.Leu375Phe (NM_001363528.2, NM_001370404.1, NM_001370405.1 and 6 more transcripts); c.663G>C, p.Leu221Phe (NM_001406681.1); c.-220G>C (NM_001406689.1, NM_001406690.1, NM_001406691.1 and 4 more transcripts); c.-188G>C (NM_001406694.1, NM_001406695.1); and 4 more; short protein forms L175F, L338F, L221F, L326F, L375F, L405F, L371F, L386F.
Identifiers: ClinVar variation 2757669 (VCV002757669.3), dbSNP rs2548536334, ClinGen allele CA394319779.

ClinVar aggregate classification (germline): Uncertain significance (1 of 4 stars; one submission).

Conditions:
Tuberous sclerosis 2 (TSC2). Identifiers: Orphanet 805, MedGen C1860707, MONDO:0013199, OMIM 613254.

Submission:

Labcorp Genetics (formerly Invitae), Labcorp
Classification: Uncertain significance for Tuberous sclerosis 2. Last evaluated: 2023-09-04. Review status: criteria provided, single submitter. Criteria: Invitae Variant Classification Sherloc (09022015). Collection method: clinical testing. Allele origin: germline.
Comment: Advanced modeling of protein sequence and biophysical properties (such as structural, functional, and spatial information, amino acid conservation, physicochemical variation, residue mobility, and thermodynamic stability) performed at Invitae indicates that this missense variant is not expected to disrupt TSC2 protein function. This variant has not been reported in the literature in individuals affected with TSC2-related conditions. This variant is not present in population databases (gnomAD no frequency). This sequence change replaces leucine, which is neutral and non-polar, with phenylalanine, which is neutral and non-polar, at codon 375 of the TSC2 protein (p.Leu375Phe). In summary, the available evidence is currently insufficient to determine the role of this variant in disease. Therefore, it has been classified as a Variant of Uncertain Significance.